The following is an entry in ClinVar:

ClinVar aggregate classification (germline): Uncertain significance (1 of 4 stars; one submission).

Conditions:
Ehlers-Danlos syndrome, spondylodysplastic type, 2 (EDSSPD2). Also called: Ehlers-Danlos syndrome, progeroid type, 2. Identifiers: Orphanet 536467, Orphanet 75496, MedGen C3809210, MONDO:0014139, OMIM 615349.
Spondyloepimetaphyseal dysplasia with joint laxity (SEMDJL). Identifiers: MedGen C0432243, MONDO:0019675.

Submission:

Labcorp Genetics (formerly Invitae), Labcorp
Classification: Uncertain significance for Ehlers-Danlos syndrome, spondylodysplastic type, 2; Spondyloepimetaphyseal dysplasia with joint laxity. Last evaluated: 2025-06-02. Review status: criteria provided, single submitter. Criteria: Invitae Variant Classification Sherloc (09022015). Collection method: clinical testing. Allele origin: germline.
Comment: This sequence change affects codon 10 of the B3GALT6 mRNA. It is a 'silent' change, meaning that it does not change the encoded amino acid sequence of the B3GALT6 protein. The frequency data for this variant in the population databases is considered unreliable, as metrics indicate insufficient coverage at this position in the gnomAD database. This variant has not been reported in the literature in individuals affected with B3GALT6-related conditions. ClinVar contains an entry for this variant (Variation ID: 3760958). Experimental studies and prediction algorithms are not available or were not evaluated, and the effect of this variant on mRNA splicing is currently unknown. In summary, the available evidence is currently insufficient to determine the role of this variant in disease. Therefore, it has been classified as a Variant of Uncertain Significance.

NM_080605.4(B3GALT6):c.30G>C (p.Arg10=)

Gene: B3GALT6 (beta-1,3-galactosyltransferase 6; plus strand). Cytogenetic location: 1p36.33.
Variant type: single nucleotide variant.
Coding change: c.30G>C on transcript NM_080605.4 (MANE Select); coding-DNA position 30, G replaced by C.
Protein change: p.Arg10=; no amino-acid change (arginine 10 retained).
Molecular consequence: synonymous variant.
Genome position (GRCh38, 1-based): chr1:1,232,308, G>C. VCF-style: chr1-1232308-G-C. GRCh37 (hg19) VCF-style: chr1-1167688-G-C.
Identifiers: ClinVar variation 3760958 (VCV003760958.2).